The following is an entry in ClinVar:

NM_000059.4(BRCA2):c.2919G>A (p.Ser973=)

Gene: BRCA2 (BRCA2 DNA repair associated; plus strand). Cytogenetic location: 13q13.1.
Variant type: single nucleotide variant.
Coding change: c.2919G>A on transcript NM_000059.4 (MANE Select); coding-DNA position 2919, G replaced by A.
Protein change: p.Ser973=; no amino-acid change (serine 973 retained).
Molecular consequence: synonymous variant.
Genome position (GRCh38, 1-based): chr13:32,337,274, G>A. VCF-style: chr13-32337274-G-A. GRCh37 (hg19) VCF-style: chr13-32911411-G-A.
Other names: S973S; p.S973S:TCG>TCA; NP_000050.3:p.Ser973=.
Identifiers: ClinVar variation 51370 (VCV000051370.98), dbSNP rs45525041, ClinGen allele CA016784.

ClinVar aggregate classification (germline): Benign. Review status: reviewed by expert panel (3 of 4 stars). 26 submissions from 25 submitters: Benign (1). 25 of the submissions do not count toward it. Last evaluated 2017-06-29.

Conditions:
Hereditary cancer-predisposing syndrome. Also called: Hereditary Cancer Syndrome; Tumor predisposition; Neoplastic Syndromes, Hereditary; Hereditary neoplastic syndrome. Identifiers: Orphanet 140162, MedGen C0027672, MeSH D009386, MONDO:0015356.
Breast and/or ovarian cancer. Identifiers: MedGen CN221562.
Hereditary breast ovarian cancer syndrome. Also called: Breast and ovarian cancer; BRCA1- and BRCA2-Associated Hereditary Breast and Ovarian Cancer; Hereditary breast and ovarian cancer; Hereditary breast and ovarian cancer syndrome (HBOC); Hereditary breast and ovarian cancer syndrome; Hereditary breast and/or ovarian cancer syndrome. Identifiers: Orphanet 145, MedGen C0677776, MeSH D061325, MONDO:0003582. Disease mechanism: loss of function.
Fanconi anemia complementation group D1. Also called: BRCA2-Related Fanconi Anemia. Identifiers: Orphanet 319462, MedGen C1838457, MONDO:0011584, OMIM 605724.
Breast-ovarian cancer, familial, susceptibility to, 2 (BROVCA2). Also called: BRCA2 Hereditary Breast and Ovarian Cancer. Identifiers: Orphanet 145, MedGen C2675520, MONDO:0012933, OMIM 612555. Disease mechanism: loss of function.
Familial cancer of breast. Also called: BREAST CANCER, FAMILIAL; hereditary breast carcinoma; Hereditary breast cancer. Identifiers: Orphanet 227535, MedGen C0346153, MONDO:0016419, OMIM 114480. Disease mechanism: loss of function.
Malignant tumor of breast. Also called: Malignant breast neoplasm; Cancer breast. Identifiers: MedGen C0006142, MONDO:0007254. Disease mechanism: loss of function.

Allele frequency attached by ClinVar (database versions not stated): TOPMed 0.00017; ESP Exome Variant Server 0.00023; 1000 Genomes Project 30x 0.00031; gnomAD exomes 0.00032 and 0.00036; 1000 Genomes Project 0.00040; gnomAD 0.00012 and 0.00016; ExAC 0.00045.
gnomAD v4.1: 496 of 1,611,690 alleles (0.031%); highest among the groups gnomAD compares: Middle Eastern, 0.22%; 1 homozygote.

Submissions 1 to 18 of 26:

Evidence-based Network for the Interpretation of Germline Mutant Alleles (ENIGMA)
Classification: Benign for Breast-ovarian cancer, familial, susceptibility to, 2. Last evaluated: 2017-06-29. Review status: reviewed by expert panel. Criteria: ENIGMA BRCA1/2 Classification Criteria (2017-06-29). Collection method: curation. Allele origin: germline.
Comment: Synonymous substitution variant, with low bioinformatic likelihood to alter mRNA splicing (splicing prior 0.02) and frequency 0.0018 (South Asian), derived from ExAC (2014-12-17).

CeGaT Center for Human Genetics Tuebingen
Classification: Likely benign. Last evaluated: 2026-03-01. Review status: criteria provided, single submitter. Criteria: CeGaT Center For Human Genetics Tuebingen Variant Classification Criteria Version 2. Collection method: clinical testing. Allele origin: germline. Affected: yes. Observed: 8 variant alleles. Not counted in ClinVar's aggregate classification.
Comment: BRCA2: BP4, BP7

Labcorp Genetics (formerly Invitae), Labcorp
Classification: Benign for Hereditary breast ovarian cancer syndrome. Last evaluated: 2026-02-04. Review status: criteria provided, single submitter. Criteria: Invitae Variant Classification Sherloc (09022015). Collection method: clinical testing. Allele origin: germline. Not counted in ClinVar's aggregate classification.

Center for Genomic Medicine, Rigshospitalet, Copenhagen University Hospital
Classification: Benign. Last evaluated: 2025-03-04. Review status: criteria provided, single submitter. Criteria: ACMG Guidelines, 2015. Collection method: clinical testing. Allele origin: germline. Not counted in ClinVar's aggregate classification.

ARUP Laboratories, Molecular Genetics and Genomics, ARUP Laboratories
Classification: Benign. Last evaluated: 2025-02-18. Review status: criteria provided, single submitter. Criteria: ARUP Molecular Germline Variant Investigation Process 2024. Collection method: clinical testing. Allele origin: germline. Not counted in ClinVar's aggregate classification.

Blueprint Genetics
Classification: Likely benign. Last evaluated: 2024-11-26. Review status: criteria provided, single submitter. Criteria: ACMG Guidelines, 2015. Collection method: clinical testing. Allele origin: germline. Not counted in ClinVar's aggregate classification.

Institute for Biomarker Research, Medical Diagnostic Laboratories, L.L.C.
Classification: Benign for Hereditary breast ovarian cancer syndrome. Last evaluated: 2023-10-10. Review status: criteria provided, single submitter. Criteria: ACMG Guidelines, 2015. Collection method: clinical testing. Allele origin: germline. Not counted in ClinVar's aggregate classification.

Genetic Services Laboratory, University of Chicago
Classification: Likely benign. Last evaluated: 2022-01-18. Review status: criteria provided, single submitter. Criteria: ACMG Guidelines, 2015. Collection method: clinical testing. Allele origin: germline. Affected: no. Not counted in ClinVar's aggregate classification.

National Health Laboratory Service, Universitas Academic Hospital and University of the Free State
Classification: Benign for Hereditary breast ovarian cancer syndrome. Last evaluated: 2021-11-16. Review status: criteria provided, single submitter. Criteria: ACMG Guidelines, 2015. Collection method: clinical testing. Allele origin: germline. Affected: yes. Observed: 2 variant alleles. Not counted in ClinVar's aggregate classification.

Sema4
Classification: Benign for Hereditary cancer-predisposing syndrome. Last evaluated: 2021-02-07. Review status: criteria provided, single submitter. Criteria: Sema4 Curation Guidelines. Collection method: curation. Allele origin: germline. Not counted in ClinVar's aggregate classification.

CHEO Genetics Diagnostic Laboratory, Children's Hospital of Eastern Ontario
Classification: Likely benign for Breast and/or ovarian cancer. Last evaluated: 2020-06-15. Review status: criteria provided, single submitter. Criteria: ACMG Guidelines, 2015. Collection method: clinical testing. Allele origin: germline. Study: Canadian Open Genetics Repository. Not counted in ClinVar's aggregate classification.

Illumina Laboratory Services, Illumina
Classification: Likely benign for Breast-ovarian cancer, familial, susceptibility to, 2. Last evaluated: 2017-04-28. Review status: criteria provided, single submitter. Criteria: ICSL Variant Classification Criteria 13 December 2019. Collection method: clinical testing. Allele origin: germline. Not counted in ClinVar's aggregate classification.
Comment: This variant was observed as part of a predisposition screen in an ostensibly healthy population. A literature search was performed for the gene, cDNA change, and amino acid change (where applicable). Publications were found based on this search. The evidence from the literature, in combination with allele frequency data from public databases where available, was sufficient to determine this variant is unlikely to cause disease. Therefore, this variant is classified as likely benign.

Illumina Laboratory Services, Illumina
Classification: Likely benign for Fanconi anemia complementation group D1. Last evaluated: 2017-04-28. Review status: criteria provided, single submitter. Criteria: ICSL Variant Classification Criteria 13 December 2019. Collection method: clinical testing. Allele origin: germline. Not counted in ClinVar's aggregate classification.
Comment: This variant was observed as part of a predisposition screen in an ostensibly healthy population. A literature search was performed for the gene, cDNA change, and amino acid change (where applicable). No publications were found based on this search. Allele frequency data from public databases allowed determination this variant is unlikely to cause disease. Therefore, this variant is classified as likely benign.

Cancer Genetics and Genomics Laboratory, British Columbia Cancer Agency
Classification: Likely benign. Last evaluated: 2017-04-18. Review status: criteria provided, single submitter. Criteria: ACMG Guidelines, 2015. Collection method: clinical testing. Allele origin: germline. Study: The Canadian Open Genetics Repository (COGR). Not counted in ClinVar's aggregate classification.

Baylor Genetics
Classification: Benign for Familial cancer of breast. Last evaluated: 2017-02-23. Review status: criteria provided, single submitter. Criteria: ACMG Guidelines, 2015. Collection method: clinical testing. Allele origin: germline. Inheritance: Autosomal dominant inheritance. Affected: no. Not counted in ClinVar's aggregate classification.

Women's Health and Genetics/Laboratory Corporation of America, LabCorp
Classification: Benign. Last evaluated: 2016-10-18. Review status: criteria provided, single submitter. Criteria: LabCorp Variant Classification Summary - May 2015. Collection method: clinical testing. Allele origin: germline. Not counted in ClinVar's aggregate classification.
Comment: Variant summary: The BRCA2 c.2919G>A (p.Ser973Ser) variant involves the alteration of a non-conserved nucleotide, resulting in a synonymous change. 5/5 splice prediction tools predict no significant impact on normal splicing. This variant was found in 54/120514 control chromosomes, predominantly observed in the South Asian subpopulation at a frequency of 0.0017597 (29/16480). This frequency is about 2.35 times the estimated maximal expected allele frequency of a pathogenic BRCA2 variant (0.0007503), suggesting this is likely a benign polymorphism found primarily in the populations of South Asian origin. This variant is known to co-occur with multupe deleterious variants in literature (Lara_Biol Res_2012) and in UMD (BRCA1 c.5123C>A (p.Ala1708Glu), c.5266dup (p.Gln1756ProfsX74), c.2722G>T (p.Glu908X), and c.3485delA (p.Asp1162ValfsX48) and BRCA2 c.1184G>A (p.Trp395X)), strongly supporting for a benign outcome. In addition, multiple clinical diagnostic laboratories/reputable databases have classified this variant as benign/likely beign. Taken together, this variant is classified as Benign.

Color Diagnostics, LLC DBA Color Health
Classification: Likely benign for Hereditary cancer-predisposing syndrome. Last evaluated: 2015-06-01. Review status: criteria provided, single submitter. Criteria: ACMG Guidelines, 2015. Collection method: clinical testing. Allele origin: germline. Not counted in ClinVar's aggregate classification.

Ambry Genetics
Classification: Likely benign for Hereditary cancer-predisposing syndrome. Last evaluated: 2014-08-28. Review status: criteria provided, single submitter. Criteria: Ambry Variant Classification Scheme 2023. Collection method: clinical testing. Allele origin: germline. Not counted in ClinVar's aggregate classification.